The following is an entry in ClinVar:

NM_015057.5(MYCBP2):c.2812T>G (p.Cys938Gly)

Gene: MYCBP2 (MYC binding protein 2; minus strand). Cytogenetic location: 13q22.3.
Variant type: single nucleotide variant.
Coding change: c.2812T>G on transcript NM_015057.5 (MANE Select); coding-DNA position 2812, T replaced by G.
Protein change: p.Cys938Gly; replaces cysteine 938 with glycine.
Molecular consequence: missense variant.
Genome position (GRCh38, 1-based): chr13:77,225,480, A>C on the plus strand (T>G on the coding strand, the complement: MYCBP2 is on the minus strand). VCF-style: chr13-77225480-A-C. GRCh37 (hg19) VCF-style: chr13-77799615-A-C.
Other names: short protein forms C938G.
Identifiers: ClinVar variation 3774878 (VCV003774878.2).
Genomic context (GRCh38, chr13:77,225,480, plus strand): 5'-AGTTCCAGCCGCTACCTGAATGGTGAAATCCACAGCTGACTTGGACTGCCCGGAGCTCAC[A>C]GTCAAATCGCACAGAGCCTGGAGGGTATGTTGTGATTTTGCTTGCATCCTTTTCGCCTCT-3'
Protein context (NP_055872.4, residues 928-948): TYPPGSVRFD[Cys938Gly]ELRAVQVSCG

ClinVar aggregate classification (germline): Uncertain significance (1 of 4 stars; one submission).

Submission:

GeneDx
Classification: Uncertain significance. Last evaluated: 2025-09-08. Review status: criteria provided, single submitter. Criteria: GeneDx Variant Classification Process June 2021. Collection method: clinical testing. Allele origin: germline.
Comment: Not observed at significant frequency in large population cohorts (gnomAD); In silico analysis supports that this missense variant has a deleterious effect on protein structure/function; In silico analysis supports a deleterious effect on splicing; Has not been previously published as pathogenic or benign to our knowledge